The following is an entry in ClinVar:

ClinVar aggregate classification (germline): Benign/Likely benign. Review status: criteria provided, multiple submitters, no conflicts (2 of 4 stars). 5 submissions from 5 submitters: Benign (3); Likely benign (2). Last evaluated 2026-01-30.

Conditions:
Aculeiform cataract (CTRCT4). Also called: Fasciculiform cataract; Frosted cataract; Needle-shaped cataract. Identifiers: MedGen C1861832, HP:0010926.
Cataract 4 multiple types. Also called: CATARACT 4, ACULEIFORM; CATARACT 4, PUNCTATE; CATARACT 4, CRYSTALLINE; CATARACT 4, CENTRAL NUCLEAR; CATARACT 4, NONNUCLEAR POLYMORPHIC CONGENITAL; CATARACT 4, MULTIPLE TYPES, WITH OR WITHOUT MICROCORNEA. Identifiers: Orphanet 1377, MedGen C3540850, MONDO:0007281, OMIM 115700.
CRYGD-related disorder. Also called: CRYGD-related condition.

Allele frequency attached by ClinVar (database versions not stated): ExAC 0.00018; 1000 Genomes Project 0.00020; TOPMed 0.00025; gnomAD exomes 0.00026; gnomAD 0.00030 and 0.00031; 1000 Genomes Project 30x 0.00031; ESP Exome Variant Server 0.00031.
gnomAD v4.1: 883 of 1,611,626 alleles (0.055%); highest among the groups gnomAD compares: Non-Finnish European, 0.07%; no homozygotes.

Submissions (5):

PreventionGenetics, part of Exact Sciences
Classification: Likely benign for CRYGD-related condition. Last evaluated: 2026-01-30. Review status: criteria provided, single submitter. Criteria: ACMG Guidelines, 2015. Collection method: clinical testing. Allele origin: germline.
Comment: This variant is classified as likely benign based on ACMG/AMP sequence variant interpretation guidelines (Richards et al. 2015 PMID: 25741868, with internal and published modifications).

Labcorp Genetics (formerly Invitae), Labcorp
Classification: Likely benign for Aculeiform cataract. Last evaluated: 2024-10-14. Review status: criteria provided, single submitter. Criteria: Invitae Variant Classification Sherloc (09022015). Collection method: clinical testing. Allele origin: germline.

Blueprint Genetics
Classification: Benign. Last evaluated: 2024-10-09. Review status: criteria provided, single submitter. Criteria: ACMG Guidelines, 2015. Collection method: clinical testing. Allele origin: germline.

Illumina Laboratory Services, Illumina
Classification: Benign for Cataract 4 multiple types. Last evaluated: 2018-01-12. Review status: criteria provided, single submitter. Criteria: ICSL Variant Classification Criteria 13 December 2019. Collection method: clinical testing. Allele origin: germline.
Comment: This variant was observed in the ICSL laboratory as part of a predisposition screen in an ostensibly healthy population. It had not been previously curated by ICSL or reported in the Human Gene Mutation Database (HGMD: prior to June 1st, 2018), and was therefore a candidate for classification through an automated scoring system. Utilizing variant allele frequency, disease prevalence and penetrance estimates, and inheritance mode, an automated score was calculated to assess if this variant is too frequent to cause the disease. Based on the score and internal cut-off values, a variant classified as benign is not then subjected to further curation. The score for this variant resulted in a classification of benign for this disease.

Breakthrough Genomics
Classification: Benign. Review status: criteria provided, single submitter. Criteria: ACMG Guidelines, 2015. Collection method: not provided. Allele origin: germline. Inheritance: Autosomal dominant inheritance. Affected: yes.

NM_006891.4(CRYGD):c.252+10T>A

Genes: CRYGD (crystallin gamma D; minus strand), LOC100507443 (uncharacterized LOC100507443; plus strand). Cytogenetic location: 2q33.3.
Variant type: single nucleotide variant.
Coding change: c.252+10T>A on transcript NM_006891.4 (MANE Select); 10 bases into the intron after coding-DNA position 252, T replaced by A.
Molecular consequence: intron variant.
Genome position (GRCh38, 1-based): chr2:208,124,102, A>T on the plus strand (T>A on the coding strand, the complement: CRYGD is on the minus strand). VCF-style: chr2-208124102-A-T. GRCh37 (hg19) VCF-style: chr2-208988826-A-T.
Identifiers: ClinVar variation 333872 (VCV000333872.11), dbSNP rs200111275, ClinGen allele CA2077690.